The following is an entry in ClinVar:

NM_004208.4(AIFM1):c.409A>G (p.Ile137Val)

Genes: AIFM1 (apoptosis inducing factor mitochondria associated 1; minus strand), RAB33A (RAB33A, member RAS oncogene family; plus strand). Cytogenetic location: Xq26.1.
Variant type: single nucleotide variant.
Coding change: c.409A>G on transcript NM_004208.4 (MANE Select); coding-DNA position 409, A replaced by G.
Protein change: p.Ile137Val; replaces isoleucine 137 with valine.
Molecular consequence: missense variant. On other transcripts: non-coding transcript variant (1).
Genome position (GRCh38, 1-based): chrX:130,147,817, T>C on the plus strand (A>G on the coding strand, the complement: AIFM1 is on the minus strand). VCF-style: chrX-130147817-T-C. GRCh37 (hg19) VCF-style: chrX-129281792-T-C.
Other names: c.409A>G, p.Ile137Val (NM_001130847.4); c.397A>G, p.Ile133Val (NM_145812.3); short protein forms I137V, I133V.
Identifiers: ClinVar variation 1927821 (VCV001927821.5), dbSNP rs890938805, ClinGen allele CA335123026.

ClinVar aggregate classification (germline): Uncertain significance (1 of 4 stars; one submission).

Conditions:
Combined oxidative phosphorylation deficiency. Identifiers: MedGen C4540031, MONDO:0000732.
Charcot-Marie-Tooth Neuropathy X. Identifiers: MedGen CN118851.

Allele frequency attached by ClinVar (database versions not stated): gnomAD exomes below 0.00001; gnomAD 0.00001; TOPMed 0.00001.
gnomAD v4.1: 3 of 1,210,357 alleles (0.00025%); highest among the groups gnomAD compares: Non-Finnish European, 0.00034%; no homozygotes.

Submission:

Labcorp Genetics (formerly Invitae), Labcorp
Classification: Uncertain significance for Charcot-Marie-Tooth Neuropathy X; Combined oxidative phosphorylation deficiency. Last evaluated: 2021-12-25. Review status: criteria provided, single submitter. Criteria: Invitae Variant Classification Sherloc (09022015). Collection method: clinical testing. Allele origin: germline.
Comment: This sequence change replaces isoleucine, which is neutral and non-polar, with valine, which is neutral and non-polar, at codon 137 of the AIFM1 protein (p.Ile137Val). This variant is not present in population databases (gnomAD no frequency). This variant has not been reported in the literature in individuals affected with AIFM1-related conditions. Algorithms developed to predict the effect of missense changes on protein structure and function are either unavailable or do not agree on the potential impact of this missense change (SIFT: "Deleterious"; PolyPhen-2: "Benign"; Align-GVGD: "Class C0"). Algorithms developed to predict the effect of sequence changes on RNA splicing suggest that this variant may create or strengthen a splice site. In summary, the available evidence is currently insufficient to determine the role of this variant in disease. Therefore, it has been classified as a Variant of Uncertain Significance.